The following is an entry in ClinVar:

ClinVar aggregate classification (germline): Uncertain significance (1 of 4 stars; one submission).

Submission:

Labcorp Genetics (formerly Invitae), Labcorp
Classification: Uncertain significance. Last evaluated: 2023-06-29. Review status: criteria provided, single submitter. Criteria: Invitae Variant Classification Sherloc (09022015). Collection method: clinical testing. Allele origin: unknown.
Comment: In summary, the available evidence is currently insufficient to determine the role of this variant in disease. Therefore, it has been classified as a Variant of Uncertain Significance. This variant has not been reported in the literature in individuals affected with IMPG1-related conditions. A copy number gain of the genomic region encompassing the full coding sequence of the IMPG1 gene has been identified. The boundaries of this event are unknown as they extend beyond the assayed region for this gene and therefore may encompass additional genes. As the precise location of this event is unknown, it may be in tandem or it may be located elsewhere in the genome.

NC_000006.11:g.(?_76631806)_(76782205_?)dup

Gene: IMPG1 (interphotoreceptor matrix proteoglycan 1; minus strand). Cytogenetic location: 6q14.1.
Variant type: Duplication.
Identifiers: ClinVar variation 3246159 (VCV003246159.1).